The following is an entry in ClinVar:

ClinVar aggregate classification (germline): Uncertain significance (1 of 4 stars; one submission).

Conditions:
Osteogenesis imperfecta type I (OI1). Also called: Classic Non-deforming Osteogenesis Imperfecta with Blue Sclerae; Lobstein's Disease; Lobstein disease; OI, TYPE I; OSTEOGENESIS IMPERFECTA TARDA; OSTEOGENESIS IMPERFECTA WITH BLUE SCLERAE. Identifiers: Orphanet 216796, Orphanet 666, MedGen C0023931, MONDO:0008146, OMIM 166200. Disease mechanism: loss of function.

Submission:

Labcorp Genetics (formerly Invitae), Labcorp
Classification: Uncertain significance for Osteogenesis imperfecta type I. Last evaluated: 2024-10-23. Review status: criteria provided, single submitter. Criteria: Invitae Variant Classification Sherloc (09022015). Collection method: clinical testing. Allele origin: germline.
Comment: This sequence change replaces proline, which is neutral and non-polar, with leucine, which is neutral and non-polar, at codon 459 of the COL1A1 protein (p.Pro459Leu). This variant is present in population databases (rs766126372, gnomAD 0.008%). This variant has not been reported in the literature in individuals affected with COL1A1-related conditions. Invitae Evidence Modeling of protein sequence and biophysical properties (such as structural, functional, and spatial information, amino acid conservation, physicochemical variation, residue mobility, and thermodynamic stability) has been performed for this missense variant. However, the output from this modeling did not meet the statistical confidence thresholds required to predict the impact of this variant on COL1A1 protein function. In summary, the available evidence is currently insufficient to determine the role of this variant in disease. Therefore, it has been classified as a Variant of Uncertain Significance.

NM_000088.4(COL1A1):c.1376C>T (p.Pro459Leu)

Gene: COL1A1 (collagen type I alpha 1 chain; minus strand). Cytogenetic location: 17q21.33.
Variant type: single nucleotide variant.
Coding change: c.1376C>T on transcript NM_000088.4 (MANE Select); coding-DNA position 1376, C replaced by T.
Protein change: p.Pro459Leu; replaces proline 459 with leucine.
Molecular consequence: missense variant.
Genome position (GRCh38, 1-based): chr17:50,194,806, G>A on the plus strand (C>T on the coding strand, the complement: COL1A1 is on the minus strand). VCF-style: chr17-50194806-G-A. GRCh37 (hg19) VCF-style: chr17-48272167-G-A.
Other names: short protein forms P459L.
Identifiers: ClinVar variation 3624310 (VCV003624310.2).